The following is an entry in ClinVar:

NM_000535.7(PMS2):c.920A>C (p.Asn307Thr)

Gene: PMS2 (PMS1 homolog 2, mismatch repair system component; minus strand). Cytogenetic location: 7p22.1.
Variant type: single nucleotide variant.
Coding change: c.920A>C on transcript NM_000535.7 (MANE Select); coding-DNA position 920, A replaced by C.
Protein change: p.Asn307Thr; replaces asparagine 307 with threonine.
Molecular consequence: missense variant. On other transcripts: 5 prime UTR variant (2), non-coding transcript variant (1).
Genome position (GRCh38, 1-based): chr7:5,992,041, T>G on the plus strand (A>C on the coding strand, the complement: PMS2 is on the minus strand). VCF-style: chr7-5992041-T-G. GRCh37 (hg19) VCF-style: chr7-6031672-T-G.
Other names: c.515A>C, p.Asn172Thr (NM_001322003.2, NM_001322004.2, NM_001322005.2 and 2 more transcripts); c.920A>C, p.Asn307Thr (NM_001322006.2, NM_001322014.2); c.602A>C, p.Asn201Thr (NM_001322007.2, NM_001322008.2); c.-14A>C (NM_001322011.2, NM_001322012.2); c.347A>C, p.Asn116Thr (NM_001322013.2); c.611A>C, p.Asn204Thr (NM_001322015.2); short protein forms N116T, N172T, N201T, N204T, N307T.
Identifiers: ClinVar variation 1003301 (VCV001003301.12), dbSNP rs1583345602, ClinGen allele CA366743195.

ClinVar aggregate classification (germline): Uncertain significance. Review status: criteria provided, multiple submitters, no conflicts (2 of 4 stars). 2 submissions from 2 submitters: Uncertain significance (2). Last evaluated 2024-09-25.

Conditions:
Hereditary nonpolyposis colorectal neoplasms. Identifiers: MedGen C0009405, MeSH D003123.
Hereditary cancer-predisposing syndrome. Also called: Hereditary neoplastic syndrome; Neoplastic Syndromes, Hereditary; Tumor predisposition; Hereditary Cancer Syndrome. Identifiers: Orphanet 140162, MedGen C0027672, MeSH D009386, MONDO:0015356.

Submissions (2):

Ambry Genetics
Classification: Uncertain significance for Hereditary cancer-predisposing syndrome. Last evaluated: 2024-09-25. Review status: criteria provided, single submitter. Criteria: Ambry Variant Classification Scheme 2023. Collection method: clinical testing. Allele origin: germline.
Comment: The p.N307T variant (also known as c.920A>C), located in coding exon 9 of the PMS2 gene, results from an A to C substitution at nucleotide position 920. The asparagine at codon 307 is replaced by threonine, an amino acid with similar properties. This amino acid position is highly conserved in available vertebrate species. In addition, the in silico prediction for this alteration is inconclusive. Since supporting evidence is limited at this time, the clinical significance of this alteration remains unclear.

Labcorp Genetics (formerly Invitae), Labcorp
Classification: Uncertain significance for Hereditary nonpolyposis colorectal neoplasms. Last evaluated: 2024-05-22. Review status: criteria provided, single submitter. Criteria: Invitae Variant Classification Sherloc (09022015). Collection method: clinical testing. Allele origin: germline.
Comment: This sequence change replaces asparagine, which is neutral and polar, with threonine, which is neutral and polar, at codon 307 of the PMS2 protein (p.Asn307Thr). This variant is not present in population databases (gnomAD no frequency). This variant has not been reported in the literature in individuals affected with PMS2-related conditions. ClinVar contains an entry for this variant (Variation ID: 1003301). Advanced modeling of protein sequence and biophysical properties (such as structural, functional, and spatial information, amino acid conservation, physicochemical variation, residue mobility, and thermodynamic stability) performed at Invitae indicates that this missense variant is expected to disrupt PMS2 protein function with a positive predictive value of 80%. In summary, the available evidence is currently insufficient to determine the role of this variant in disease. Therefore, it has been classified as a Variant of Uncertain Significance.